The following is an entry in ClinVar:

NM_001134407.3(GRIN2A):c.2094T>A (p.Tyr698Ter)

Gene: GRIN2A (glutamate ionotropic receptor NMDA type subunit 2A; minus strand). Cytogenetic location: 16p13.2.
Variant type: single nucleotide variant.
Coding change: c.2094T>A on transcript NM_001134407.3 (MANE Select); coding-DNA position 2094, T replaced by A.
Protein change: p.Tyr698Ter; replaces tyrosine 698 with a stop codon.
Molecular consequence: nonsense.
Genome position (GRCh38, 1-based): chr16:9,822,338, A>T on the plus strand (T>A on the coding strand, the complement: GRIN2A is on the minus strand). VCF-style: chr16-9822338-A-T. GRCh37 (hg19) VCF-style: chr16-9916195-A-T.
Other names: c.2094T>A, p.Tyr698Ter (NM_000833.5, NM_001134408.2); short protein forms Y698*.
Identifiers: ClinVar variation 4711882 (VCV004711882.1).

ClinVar aggregate classification (germline): Pathogenic (1 of 4 stars; one submission).

Conditions:
Landau-Kleffner syndrome (FESD). Also called: EPILEPSY, FOCAL, WITH SPEECH DISORDER AND WITH OR WITHOUT MENTAL RETARDATION; APHASIA, ACQUIRED, WITH EPILEPSY. Identifiers: Orphanet 1945, Orphanet 725, Orphanet 98818, MedGen C0282512, MONDO:0009509, OMIM 245570.

Submission:

Labcorp Genetics (formerly Invitae), Labcorp
Classification: Pathogenic for Landau-Kleffner syndrome. Last evaluated: 2025-02-02. Review status: criteria provided, single submitter. Criteria: Invitae Variant Classification Sherloc (09022015). Collection method: clinical testing. Allele origin: germline.
Comment: This sequence change creates a premature translational stop signal (p.Tyr698*) in the GRIN2A gene. It is expected to result in an absent or disrupted protein product. Loss-of-function variants in GRIN2A are known to be pathogenic (PMID: 23933819, 23933820). This variant is not present in population databases (gnomAD no frequency). This premature translational stop signal has been observed in individual(s) with GRIN2A-related conditions (PMID: 33240831). For these reasons, this variant has been classified as Pathogenic.

Literature cited by the submitters: PubMed 23933819; PubMed 23933820; PubMed 33240831.